The following is an entry in ClinVar:

NM_002439.5(MSH3):c.1361G>C (p.Arg454Pro)

Gene: MSH3 (mutS homolog 3; plus strand). Cytogenetic location: 5q14.1.
Variant type: single nucleotide variant.
Coding change: c.1361G>C on transcript NM_002439.5 (MANE Select); coding-DNA position 1361, G replaced by C.
Protein change: p.Arg454Pro; replaces arginine 454 with proline.
Molecular consequence: missense variant.
Genome position (GRCh38, 1-based): chr5:80,725,473, G>C. VCF-style: chr5-80725473-G-C. GRCh37 (hg19) VCF-style: chr5-80021292-G-C.
Other names: short protein forms R454P.
Identifiers: ClinVar variation 640560 (VCV000640560.8), dbSNP rs144798521, ClinGen allele CA360273381.

ClinVar aggregate classification (germline): Uncertain significance (1 of 4 stars; one submission).

Submission:

Labcorp Genetics (formerly Invitae), Labcorp
Classification: Uncertain significance. Last evaluated: 2018-09-05. Review status: criteria provided, single submitter. Criteria: Invitae Variant Classification Sherloc (09022015). Collection method: clinical testing. Allele origin: germline.
Comment: This variant is not present in population databases (ExAC no frequency). This variant has not been reported in the literature in individuals with MSH3-related disease. Algorithms developed to predict the effect of missense changes on protein structure and function are either unavailable or do not agree on the potential impact of this missense change (SIFT: "Deleterious"; PolyPhen-2: "Probably Damaging"; Align-GVGD: "Class C0"). In summary, the available evidence is currently insufficient to determine the role of this variant in disease. Therefore, it has been classified as a Variant of Uncertain Significance. This sequence change replaces arginine with proline at codon 454 of the MSH3 protein (p.Arg454Pro). The arginine residue is moderately conserved and there is a moderate physicochemical difference between arginine and proline.